The following is an entry in ClinVar:

NM_000179.3(MSH6):c.785A>T (p.Asp262Val)

Gene: MSH6 (mutS homolog 6; plus strand). Cytogenetic location: 2p16.3.
Variant type: single nucleotide variant.
Coding change: c.785A>T on transcript NM_000179.3 (MANE Select); coding-DNA position 785, A replaced by T.
Protein change: p.Asp262Val; replaces aspartic acid 262 with valine.
Molecular consequence: missense variant. On other transcripts: 5 prime UTR variant (2).
Genome position (GRCh38, 1-based): chr2:47,798,768, A>T. VCF-style: chr2-47798768-A-T. GRCh37 (hg19) VCF-style: chr2-48025907-A-T.
Other names: c.488A>T, p.Asp163Val (NM_001406818.1, NM_001406820.1, NM_001406821.1 and 10 more transcripts); c.-122A>T (NM_001406823.1, NM_001281493.2, NM_001281494.2 and 6 more transcripts); c.395A>T, p.Asp132Val (NM_001281492.2); c.881A>T, p.Asp294Val (NM_001406795.1, NM_001406802.1); c.785A>T, p.Asp262Val (NM_001406796.1, NM_001406798.1, NM_001406800.1 and 4 more transcripts); c.260A>T, p.Asp87Val (NM_001406799.1, NM_001406806.1, NM_001406807.1); c.707A>T, p.Asp236Val (NM_001406804.1); c.791A>T, p.Asp264Val (NM_001406813.1); and 1 more; short protein forms D262V, D294V, D163V, D236V, D132V, D206V, D264V, D87V.
Identifiers: ClinVar variation 1760912 (VCV001760912.2), dbSNP rs1572720347, ClinGen allele CA346740266.

ClinVar aggregate classification (germline): Uncertain significance (1 of 4 stars; one submission).

Conditions:
Hereditary cancer-predisposing syndrome. Also called: Neoplastic Syndromes, Hereditary; Tumor predisposition; Hereditary Cancer Syndrome; Hereditary neoplastic syndrome. Identifiers: Orphanet 140162, MedGen C0027672, MeSH D009386, MONDO:0015356.

Submission:

Ambry Genetics
Classification: Uncertain significance for Hereditary cancer-predisposing syndrome. Last evaluated: 2022-06-16. Review status: criteria provided, single submitter. Criteria: Ambry Variant Classification Scheme 2023. Collection method: clinical testing. Allele origin: germline.
Comment: The p.D262V variant (also known as c.785A>T), located in coding exon 4 of the MSH6 gene, results from an A to T substitution at nucleotide position 785. The aspartic acid at codon 262 is replaced by valine, an amino acid with highly dissimilar properties. This amino acid position is conserved. In addition, this alteration is predicted to be deleterious by in silico analysis. Since supporting evidence is limited at this time, the clinical significance of this alteration remains unclear.